The following is an entry in ClinVar:

NM_020964.3(EPG5):c.5229C>T (p.Phe1743=)

Gene: EPG5 (ectopic P-granules 5 autophagy tethering factor; minus strand). Cytogenetic location: 18q12.3.
Variant type: single nucleotide variant.
Coding change: c.5229C>T on transcript NM_020964.3 (MANE Select); coding-DNA position 5229, C replaced by T.
Protein change: p.Phe1743=; no amino-acid change (phenylalanine 1743 retained).
Molecular consequence: synonymous variant.
Genome position (GRCh38, 1-based): chr18:45,884,692, G>A on the plus strand (C>T on the coding strand, the complement: EPG5 is on the minus strand). VCF-style: chr18-45884692-G-A. GRCh37 (hg19) VCF-style: chr18-43464657-G-A.
Other names: c.5229C>T, p.Phe1743= (LRG_1234t1).
Identifiers: ClinVar variation 466254 (VCV000466254.18), dbSNP rs76331338, ClinGen allele CA8948641.

ClinVar aggregate classification (germline): Benign/Likely benign. Review status: criteria provided, multiple submitters, no conflicts (2 of 4 stars). 5 submissions from 5 submitters: Benign (3); Likely benign (1). 1 of the submissions does not count toward it. Last evaluated 2026-01-26.

Conditions:
Vici syndrome (VICIS). Identifiers: Orphanet 1493, MedGen C1855772, MONDO:0009452, OMIM 242840.
EPG5-related disorder. Also called: EPG5-related condition. Identifiers: MedGen CN381528.

Allele frequency attached by ClinVar (database versions not stated): ExAC 0.00364; gnomAD exomes 0.00368; 1000 Genomes Project 30x 0.01296; 1000 Genomes Project 0.01398; ESP Exome Variant Server 0.00008; gnomAD 0.00133 and 0.00210; TOPMed 0.00203.
gnomAD v4.1: 1,978 of 1,611,956 alleles (0.12%); highest among the groups gnomAD compares: East Asian, 2.9%; 46 homozygotes.

Submissions (5):

Labcorp Genetics (formerly Invitae), Labcorp
Classification: Benign for Vici syndrome. Last evaluated: 2026-01-26. Review status: criteria provided, single submitter. Criteria: Invitae Variant Classification Sherloc (09022015). Collection method: clinical testing. Allele origin: germline.

Blueprint Genetics
Classification: Likely benign. Last evaluated: 2024-11-13. Review status: criteria provided, single submitter. Criteria: ACMG Guidelines, 2015. Collection method: clinical testing. Allele origin: germline.

GeneDx
Classification: Benign. Last evaluated: 2018-05-16. Review status: criteria provided, single submitter. Criteria: GeneDx Variant Classification (06012015). Collection method: clinical testing. Allele origin: germline. Affected: yes.
Comment: This variant is considered likely benign or benign based on one or more of the following criteria: it is a conservative change, it occurs at a poorly conserved position in the protein, it is predicted to be benign by multiple in silico algorithms, and/or has population frequency not consistent with disease.

Breakthrough Genomics
Classification: Benign. Review status: criteria provided, single submitter. Criteria: ACMG Guidelines, 2015. Collection method: not provided. Allele origin: germline. Inheritance: Autosomal recessive inheritance. Affected: yes.

PreventionGenetics, part of Exact Sciences
Classification: Benign for EPG5-related condition. Last evaluated: 2019-05-08. Review status: no assertion criteria provided. Collection method: clinical testing. Allele origin: germline. Not counted in ClinVar's aggregate classification.
Comment: This variant is classified as benign based on ACMG/AMP sequence variant interpretation guidelines (Richards et al. 2015 PMID: 25741868, with internal and published modifications).